The following is an entry in ClinVar:

NM_000535.5(PMS2):c.804-?_2006+?del

Gene: PMS2 (PMS1 homolog 2, mismatch repair system component; minus strand). Cytogenetic location: 7p22.1.
Variant type: Deletion.
Coding change: c.804-?_2006+?del on transcript NM_000535.5.
Other names: c.804-?_2006+?del (LRG_161t1).
Identifiers: ClinVar variation 91373 (VCV000091373.2).

ClinVar aggregate classification (germline): Pathogenic. Review status: reviewed by expert panel (3 of 4 stars). 2 submissions from 2 submitters: Pathogenic (1). 1 of the submissions does not count toward it. Last evaluated 2013-09-05.

Conditions:
Lynch syndrome. Identifiers: Orphanet 144, MedGen C4552100, MONDO:0005835. Disease mechanism: loss of function.

Submissions (2):

International Society for Gastrointestinal Hereditary Tumours (InSiGHT)
Classification: Pathogenic for Lynch Syndrome. Last evaluated: 2013-09-05. Review status: reviewed by expert panel. Criteria: Guidelines v1.9. Collection method: research. Allele origin: germline.
Comment: In-frame large deletion interrupting ATPase domain [pmid:11574484 Guarne:2001]

Classified with v1.9 guidelines

Labcorp Genetics (formerly Invitae), Labcorp
Classification: Pathogenic for Hereditary nonpolyposis colorectal neoplasms. Last evaluated: 2016-10-05. Review status: criteria provided, single submitter. Criteria: Invitae Variant Classification Sherloc (09022015). Collection method: clinical testing. Allele origin: germline. Not counted in ClinVar's aggregate classification.
Comment: This variant is a gross deletion of the genomic region encompassing exons 8-11 of the PMS2 gene. This leads to an in-frame deletion, preserving the integrity of the reading frame. Deletions of exons 8-11 have been reported in individuals affected with Lynch Syndrome (PMID: 8072530, 25980754). The tumor from one patient exhibited microsatellite instability and acquired a second mutation on the wild-type allele (PMID: 8072530). Experimental studies have shown that this deletion removes a coiled-coil domain in PMS2 that mediates the interaction with MLH1 (PMID: 11292842). For these reasons, this variant has been classified as Pathogenic.